The following is an entry in ClinVar:

NM_001042492.3(NF1):c.69A>G (p.Ile23Met)

Gene: NF1 (neurofibromin 1; plus strand). Cytogenetic location: 17q11.2.
Variant type: single nucleotide variant.
Coding change: c.69A>G on transcript NM_001042492.3 (MANE Select); coding-DNA position 69, A replaced by G.
Protein change: p.Ile23Met; replaces isoleucine 23 with methionine.
Molecular consequence: missense variant.
Genome position (GRCh38, 1-based): chr17:31,155,991, A>G. VCF-style: chr17-31155991-A-G. GRCh37 (hg19) VCF-style: chr17-29483009-A-G.
Other names: c.69A>G, p.Ile23Met (NM_000267.4, NM_001128147.3); short protein forms I23M.
Identifiers: ClinVar variation 481961 (VCV000481961.10), dbSNP rs1555604870, ClinGen allele CA398988068.

ClinVar aggregate classification (germline): Uncertain significance. Review status: criteria provided, multiple submitters, no conflicts (2 of 4 stars). 2 submissions from 2 submitters: Uncertain significance (2). Last evaluated 2022-02-22.

Conditions:
Cardiovascular phenotype. Identifiers: MedGen CN230736.
Hereditary cancer-predisposing syndrome. Also called: Hereditary neoplastic syndrome; Neoplastic Syndromes, Hereditary; Tumor predisposition; Hereditary Cancer Syndrome. Identifiers: Orphanet 140162, MedGen C0027672, MeSH D009386, MONDO:0015356.
Neurofibromatosis, type 1 (NF1). Also called: VON RECKLINGHAUSEN DISEASE; Peripheral type neurofibromatosis; NEUROFIBROMATOSIS, TYPE I, SOMATIC; Neurofibromatosis, type I. Identifiers: Orphanet 636, MedGen C0027831, MONDO:0018975, OMIM 162200. Disease mechanism: loss of function.

Allele frequency attached by ClinVar (database versions not stated): gnomAD exomes below 0.00001.
gnomAD v4.1: 1 of 1,612,664 alleles (0.000062%); highest among the groups gnomAD compares: Non-Finnish European, 0.000085%; no homozygotes.

Submissions (2):

Labcorp Genetics (formerly Invitae), Labcorp
Classification: Uncertain significance for Neurofibromatosis, type 1. Last evaluated: 2022-02-22. Review status: criteria provided, single submitter. Criteria: Invitae Variant Classification Sherloc (09022015). Collection method: clinical testing. Allele origin: germline.
Comment: This sequence change replaces isoleucine, which is neutral and non-polar, with methionine, which is neutral and non-polar, at codon 23 of the NF1 protein (p.Ile23Met). In summary, the available evidence is currently insufficient to determine the role of this variant in disease. Therefore, it has been classified as a Variant of Uncertain Significance. Advanced modeling of protein sequence and biophysical properties (such as structural, functional, and spatial information, amino acid conservation, physicochemical variation, residue mobility, and thermodynamic stability) performed at Invitae indicates that this missense variant is not expected to disrupt NF1 protein function. ClinVar contains an entry for this variant (Variation ID: 481961). This variant has not been reported in the literature in individuals affected with NF1-related conditions. This variant is not present in population databases (gnomAD no frequency).

Ambry Genetics
Classification: Uncertain significance for Cardiovascular phenotype; Hereditary cancer-predisposing syndrome. Last evaluated: 2016-11-01. Review status: criteria provided, single submitter. Criteria: Ambry Variant Classification Scheme 2023. Collection method: clinical testing. Allele origin: germline.
Comment: The p.I23M variant (also known as c.69A>G), located in coding exon 2 of the NF1 gene, results from an A to G substitution at nucleotide position 69. The isoleucine at codon 23 is replaced by methionine, an amino acid with highly similar properties. This variant was not reported in population based cohorts in the following databases: Database of Single Nucleotide Polymorphisms (dbSNP), NHLBI Exome Sequencing Project (ESP), and 1000 Genomes Project. In the ESP, this variant was not observed in 6502 samples (13004 alleles) with coverage at this position. To date, this alteration has been detected with an allele frequency of approximately 0.001% (greater than 175000 alleles tested) in our clinical cohort. This amino acid position is highly conserved in available vertebrate species. In addition, this alteration is predicted to be tolerated by in silico analysis. Since supporting evidence is limited at this time, the clinical significance of this alteration remains unclear.